The following is an entry in ClinVar:

ClinVar aggregate classification (germline): Uncertain significance (1 of 4 stars; one submission).

Allele frequency attached by ClinVar (database versions not stated): gnomAD exomes below 0.00001 and 0.00001.
gnomAD v4.1: 3 of 1,613,978 alleles (0.00019%); highest among the groups gnomAD compares: Non-Finnish European, 0.00025%; no homozygotes.

Submission:

Labcorp Genetics (formerly Invitae), Labcorp
Classification: Uncertain significance. Last evaluated: 2022-09-26. Review status: criteria provided, single submitter. Criteria: Invitae Variant Classification Sherloc (09022015). Collection method: clinical testing. Allele origin: germline.
Comment: In summary, the available evidence is currently insufficient to determine the role of this variant in disease. Therefore, it has been classified as a Variant of Uncertain Significance. Algorithms developed to predict the effect of missense changes on protein structure and function output the following: SIFT: "Tolerated"; PolyPhen-2: "Benign"; Align-GVGD: "Class C0". The serine amino acid residue is found in multiple mammalian species, which suggests that this missense change does not adversely affect protein function. This sequence change replaces asparagine, which is neutral and polar, with serine, which is neutral and polar, at codon 268 of the FLVCR1 protein (p.Asn268Ser). This variant is present in population databases (no rsID available, gnomAD 0.0009%). This variant has not been reported in the literature in individuals affected with FLVCR1-related conditions. ClinVar contains an entry for this variant (Variation ID: 1494992).

NM_014053.4(FLVCR1):c.803A>G (p.Asn268Ser)

Gene: FLVCR1 (FLVCR choline and heme transporter 1; plus strand). Cytogenetic location: 1q32.3.
Variant type: single nucleotide variant.
Coding change: c.803A>G on transcript NM_014053.4 (MANE Select); coding-DNA position 803, A replaced by G.
Protein change: p.Asn268Ser; replaces asparagine 268 with serine.
Molecular consequence: missense variant.
Genome position (GRCh38, 1-based): chr1:212,863,789, A>G. VCF-style: chr1-212863789-A-G. GRCh37 (hg19) VCF-style: chr1-213037131-A-G.
Other names: short protein forms N268S.
Identifiers: ClinVar variation 1494992 (VCV001494992.6), dbSNP rs1225709279, ClinGen allele CA344789994.